The following is an entry in ClinVar:

ClinVar aggregate classification (germline): Uncertain significance (1 of 4 stars; one submission).

Allele frequency attached by ClinVar (database versions not stated): TOPMed below 0.00001; ExAC 0.00001; gnomAD exomes 0.00001.

Submission:

Labcorp Genetics (formerly Invitae), Labcorp
Classification: Uncertain significance. Last evaluated: 2023-12-28. Review status: criteria provided, single submitter. Criteria: Invitae Variant Classification Sherloc (09022015). Collection method: clinical testing. Allele origin: germline.
Comment: This sequence change replaces proline, which is neutral and non-polar, with leucine, which is neutral and non-polar, at codon 725 of the CARMIL2 protein (p.Pro725Leu). This variant is present in population databases (rs773358419, gnomAD 0.01%). This variant has not been reported in the literature in individuals affected with CARMIL2-related conditions. Advanced modeling of protein sequence and biophysical properties (such as structural, functional, and spatial information, amino acid conservation, physicochemical variation, residue mobility, and thermodynamic stability) performed at Invitae indicates that this missense variant is not expected to disrupt CARMIL2 protein function with a negative predictive value of 80%. In summary, the available evidence is currently insufficient to determine the role of this variant in disease. Therefore, it has been classified as a Variant of Uncertain Significance.

NM_001013838.3(CARMIL2):c.2174C>T (p.Pro725Leu)

Gene: CARMIL2 (capping protein regulator and myosin 1 linker 2; plus strand). Cytogenetic location: 16q22.1.
Variant type: single nucleotide variant.
Coding change: c.2174C>T on transcript NM_001013838.3 (MANE Select); coding-DNA position 2174, C replaced by T.
Protein change: p.Pro725Leu; replaces proline 725 with leucine.
Molecular consequence: missense variant.
Genome position (GRCh38, 1-based): chr16:67,650,140, C>T. VCF-style: chr16-67650140-C-T. GRCh37 (hg19) VCF-style: chr16-67684043-C-T.
Other names: c.2066C>T, p.Pro689Leu (NM_001317026.3); short protein forms P689L, P725L.
Identifiers: ClinVar variation 2695100 (VCV002695100.3), dbSNP rs773358419, ClinGen allele CA8113698.
Genomic context (GRCh38, chr16:67,650,140, plus strand): 5'-CAGACCCTGCCTCTTCTGACCACACGACCCGCCTTCAGCCACTTGGTCTGGTCTCAGACC[C>T]CTCAGAGCAGGTCAATGTCCCCTCCCCAACCACGAGAGGTAGGGCATGAGGAGACCTGTG-3'
Protein context (NP_001013860.1, residues 715-735): RLQPLGLVSD[Pro725Leu]SEQEVNELCQ